The following is an entry in ClinVar:

ClinVar aggregate classification (germline): Uncertain significance (1 of 4 stars; one submission).

gnomAD v4.1: 8 of 1,470,688 alleles (0.00054%); highest among the groups gnomAD compares: Non-Finnish European, 0.00072%; no homozygotes.

Submission:

Labcorp Genetics (formerly Invitae), Labcorp
Classification: Uncertain significance. Last evaluated: 2025-06-18. Review status: criteria provided, single submitter. Criteria: Invitae Variant Classification Sherloc (09022015). Collection method: clinical testing. Allele origin: germline.
Comment: This sequence change replaces glutamic acid, which is acidic and polar, with aspartic acid, which is acidic and polar, at codon 181 of the LEMD3 protein (p.Glu181Asp). This variant is not present in population databases (gnomAD no frequency). This variant has not been reported in the literature in individuals affected with LEMD3-related conditions. ClinVar contains an entry for this variant (Variation ID: 1418069). Invitae Evidence Modeling of protein sequence and biophysical properties (such as structural, functional, and spatial information, amino acid conservation, physicochemical variation, residue mobility, and thermodynamic stability) indicates that this missense variant is not expected to disrupt LEMD3 protein function with a negative predictive value of 80%. In summary, the available evidence is currently insufficient to determine the role of this variant in disease. Therefore, it has been classified as a Variant of Uncertain Significance.

NM_014319.5(LEMD3):c.543G>C (p.Glu181Asp)

Gene: LEMD3 (LEM domain containing 3; plus strand). Cytogenetic location: 12q14.3.
Variant type: single nucleotide variant.
Coding change: c.543G>C on transcript NM_014319.5 (MANE Select); coding-DNA position 543, G replaced by C.
Protein change: p.Glu181Asp; replaces glutamic acid 181 with aspartic acid.
Molecular consequence: missense variant.
Genome position (GRCh38, 1-based): chr12:65,170,139, G>C. VCF-style: chr12-65170139-G-C. GRCh37 (hg19) VCF-style: chr12-65563919-G-C.
Other names: c.543G>C, p.Glu181Asp (NM_001167614.2); short protein forms E181D.
Identifiers: ClinVar variation 1418069 (VCV001418069.6), dbSNP rs868042374, ClinGen allele CA385673439.